The following is an entry in ClinVar:

NM_020964.3(EPG5):c.1590G>A (p.Met530Ile)

Gene: EPG5 (ectopic P-granules 5 autophagy tethering factor; minus strand). Cytogenetic location: 18q21.1.
Variant type: single nucleotide variant.
Coding change: c.1590G>A on transcript NM_020964.3 (MANE Select); coding-DNA position 1590, G replaced by A.
Protein change: p.Met530Ile; replaces methionine 530 with isoleucine.
Molecular consequence: missense variant.
Genome position (GRCh38, 1-based): chr18:45,946,750, C>T on the plus strand (G>A on the coding strand, the complement: EPG5 is on the minus strand). VCF-style: chr18-45946750-C-T. GRCh37 (hg19) VCF-style: chr18-43526716-C-T.
Other names: c.1590G>A, p.Met530Ile (NM_001410858.1, NM_001410859.1); short protein forms M530I.
Identifiers: ClinVar variation 2116539 (VCV002116539.4), dbSNP rs1452845374, ClinGen allele CA402349032.
Genomic context (GRCh38, chr18:45,946,750, plus strand): 5'-CCAAGTCCCAGACCCAGGCCCTGAGGAGGATGGCTTCCGCTCGCTGGGCTTCATGTGGCA[C>T]ATAAACTCAGCTCGATTTCTAAAGGACAAGAATAATCACTCCCATCACTTAGATGTAGGC-3'
Protein context (NP_066015.2, residues 520-540): MSPVKNRAEF[Met530Ile]CHMKPSERKP

ClinVar aggregate classification (germline): Uncertain significance (1 of 4 stars; one submission).

Conditions:
Vici syndrome (VICIS). Identifiers: Orphanet 1493, MedGen C1855772, MONDO:0009452, OMIM 242840.

Allele frequency attached by ClinVar (database versions not stated): gnomAD 0.00001; gnomAD exomes 0.00001; TOPMed 0.00001.
gnomAD v4.1: 5 of 1,614,062 alleles (0.00031%); highest among the groups gnomAD compares: East Asian, 0.011%; no homozygotes.

Submission:

Labcorp Genetics (formerly Invitae), Labcorp
Classification: Uncertain significance for Vici syndrome. Last evaluated: 2022-06-28. Review status: criteria provided, single submitter. Criteria: Invitae Variant Classification Sherloc (09022015). Collection method: clinical testing. Allele origin: germline.
Comment: This sequence change replaces methionine, which is neutral and non-polar, with isoleucine, which is neutral and non-polar, at codon 530 of the EPG5 protein (p.Met530Ile). This variant is not present in population databases (gnomAD no frequency). This variant has not been reported in the literature in individuals affected with EPG5-related conditions. Algorithms developed to predict the effect of missense changes on protein structure and function are either unavailable or do not agree on the potential impact of this missense change (SIFT: "Tolerated"; PolyPhen-2: "Possibly Damaging"; Align-GVGD: "Class C0"). In summary, the available evidence is currently insufficient to determine the role of this variant in disease. Therefore, it has been classified as a Variant of Uncertain Significance.